The following is an entry in ClinVar:

ClinVar aggregate classification (germline): Uncertain significance. Review status: criteria provided, multiple submitters, no conflicts (2 of 4 stars). 2 submissions from 2 submitters: Uncertain significance (2). Last evaluated 2025-05-02.

Conditions:
Hereditary cancer-predisposing syndrome. Also called: Neoplastic Syndromes, Hereditary; Hereditary Cancer Syndrome; Tumor predisposition; Hereditary neoplastic syndrome. Identifiers: Orphanet 140162, MedGen C0027672, MeSH D009386, MONDO:0015356.
Familial cancer of breast. Also called: hereditary breast carcinoma; BREAST CANCER, FAMILIAL; Hereditary breast cancer. Identifiers: Orphanet 227535, MedGen C0346153, MONDO:0016419, OMIM 114480. Disease mechanism: loss of function.

Submissions (2):

Ambry Genetics
Classification: Uncertain significance for Hereditary cancer-predisposing syndrome. Last evaluated: 2025-05-02. Review status: criteria provided, single submitter. Criteria: Ambry Variant Classification Scheme 2023. Collection method: clinical testing. Allele origin: germline.
Comment: The p.T521N variant (also known as c.1562C>A), located in coding exon 4 of the PALB2 gene, results from a C to A substitution at nucleotide position 1562. The threonine at codon 521 is replaced by asparagine, an amino acid with similar properties. This amino acid position is conserved. In addition, this alteration is predicted to be tolerated by in silico analysis. Based on the available evidence, the clinical significance of this variant remains unclear.

Labcorp Genetics (formerly Invitae), Labcorp
Classification: Uncertain significance for Familial cancer of breast. Last evaluated: 2019-05-16. Review status: criteria provided, single submitter. Criteria: Invitae Variant Classification Sherloc (09022015). Collection method: clinical testing. Allele origin: germline.
Comment: In summary, the available evidence is currently insufficient to determine the role of this variant in disease. Therefore, it has been classified as a Variant of Uncertain Significance. Algorithms developed to predict the effect of missense changes on protein structure and function output the following: SIFT: "Tolerated"; PolyPhen-2: "Benign"; Align-GVGD: "Class C0". The asparagine amino acid residue is found in multiple mammalian species, suggesting that this missense change does not adversely affect protein function. These predictions have not been confirmed by published functional studies and their clinical significance is uncertain. This variant has not been reported in the literature in individuals with PALB2-related conditions. This variant is not present in population databases (ExAC no frequency). This sequence change replaces threonine with asparagine at codon 521 of the PALB2 protein (p.Thr521Asn). The threonine residue is moderately conserved and there is a small physicochemical difference between threonine and asparagine.

NM_024675.4(PALB2):c.1562C>A (p.Thr521Asn)

Gene: PALB2 (partner and localizer of BRCA2; minus strand). Cytogenetic location: 16p12.2.
Variant type: single nucleotide variant.
Coding change: c.1562C>A on transcript NM_024675.4 (MANE Select); coding-DNA position 1562, C replaced by A.
Protein change: p.Thr521Asn; replaces threonine 521 with asparagine.
Molecular consequence: missense variant.
Genome position (GRCh38, 1-based): chr16:23,634,984, G>T on the plus strand (C>A on the coding strand, the complement: PALB2 is on the minus strand). VCF-style: chr16-23634984-G-T. GRCh37 (hg19) VCF-style: chr16-23646305-G-T.
Other names: short protein forms T521N.
Identifiers: ClinVar variation 945319 (VCV000945319.11), dbSNP rs1555461218, ClinGen allele CA395130744.